The following is an entry in ClinVar:

ClinVar aggregate classification (germline): Uncertain significance. Review status: criteria provided, multiple submitters, no conflicts (2 of 4 stars). 2 submissions from 2 submitters: Uncertain significance (2). Last evaluated 2025-09-10.

Allele frequency attached by ClinVar (database versions not stated): gnomAD exomes below 0.00001; TOPMed 0.00002.
gnomAD v4.1: 2 of 1,593,436 alleles (0.00013%); highest among the groups gnomAD compares: Admixed American, 0.0017%; no homozygotes.

Submissions (2):

Ambry Genetics
Classification: Uncertain significance. Last evaluated: 2025-09-10. Review status: criteria provided, single submitter. Criteria: Ambry Variant Classification Scheme 2023. Collection method: clinical testing. Allele origin: germline.

Labcorp Genetics (formerly Invitae), Labcorp
Classification: Uncertain significance. Last evaluated: 2023-05-16. Review status: criteria provided, single submitter. Criteria: Invitae Variant Classification Sherloc (09022015). Collection method: clinical testing. Allele origin: germline.
Comment: This variant has not been reported in the literature in individuals affected with MYH7B-related conditions. This variant is present in population databases (no rsID available, gnomAD 0.006%). This sequence change replaces alanine, which is neutral and non-polar, with glycine, which is neutral and non-polar, at codon 1713 of the MYH7B protein (p.Ala1713Gly). In summary, the available evidence is currently insufficient to determine the role of this variant in disease. Therefore, it has been classified as a Variant of Uncertain Significance. Advanced modeling of protein sequence and biophysical properties (such as structural, functional, and spatial information, amino acid conservation, physicochemical variation, residue mobility, and thermodynamic stability) performed at Invitae indicates that this missense variant is not expected to disrupt MYH7B protein function.

NM_020884.7(MYH7B):c.5012C>G (p.Ala1671Gly)

Gene: MYH7B (myosin heavy chain 7B; plus strand). Cytogenetic location: 20q11.22.
Variant type: single nucleotide variant.
Coding change: c.5012C>G on transcript NM_020884.7 (MANE Select); coding-DNA position 5012, C replaced by G.
Protein change: p.Ala1671Gly; replaces alanine 1671 with glycine.
Molecular consequence: missense variant.
Genome position (GRCh38, 1-based): chr20:35,000,523, C>G. VCF-style: chr20-35000523-C-G. GRCh37 (hg19) VCF-style: chr20-33588326-C-G.
Other names: c.5138C>G (NM_020884.3); short protein forms A1671G.
Identifiers: ClinVar variation 3003494 (VCV003003494.4), dbSNP rs903944509, ClinGen allele CA313488004.